The following is an entry in ClinVar:

ClinVar aggregate classification (germline): Conflicting classifications of pathogenicity. Review status: criteria provided, conflicting classifications (1 of 4 stars). 2 submissions from 2 submitters: Uncertain significance (1); Likely benign (1). Last evaluated 2025-07-02.

Allele frequency attached by ClinVar (database versions not stated): ExAC 0.00001; gnomAD exomes 0.00003.
gnomAD v4.1: 39 of 1,614,164 alleles (0.0024%); highest among the groups gnomAD compares: Non-Finnish European, 0.0032%; no homozygotes.

Submissions (2):

Labcorp Genetics (formerly Invitae), Labcorp
Classification: Uncertain significance. Last evaluated: 2025-07-02. Review status: criteria provided, single submitter. Criteria: Invitae Variant Classification Sherloc (09022015). Collection method: clinical testing. Allele origin: germline.
Comment: This sequence change replaces arginine, which is basic and polar, with cysteine, which is neutral and slightly polar, at codon 3473 of the KMT2A protein (p.Arg3473Cys). This variant is present in population databases (rs781919840, gnomAD 0.003%). This variant has not been reported in the literature in individuals affected with KMT2A-related conditions. ClinVar contains an entry for this variant (Variation ID: 2066574). Invitae Evidence Modeling of protein sequence and biophysical properties (such as structural, functional, and spatial information, amino acid conservation, physicochemical variation, residue mobility, and thermodynamic stability) indicates that this missense variant is not expected to disrupt KMT2A protein function with a negative predictive value of 95%. In summary, the available evidence is currently insufficient to determine the role of this variant in disease. Therefore, it has been classified as a Variant of Uncertain Significance.

CeGaT Center for Human Genetics Tuebingen
Classification: Likely benign. Last evaluated: 2023-08-01. Review status: criteria provided, single submitter. Criteria: CeGaT Center For Human Genetics Tuebingen Variant Classification Criteria Version 2. Collection method: clinical testing. Allele origin: germline. Affected: yes. Observed: 1 variant allele.
Comment: KMT2A: BP4

NM_001197104.2(KMT2A):c.10417C>T (p.Arg3473Cys)

Gene: KMT2A (lysine methyltransferase 2A; plus strand). Cytogenetic location: 11q23.3.
Variant type: single nucleotide variant.
Coding change: c.10417C>T on transcript NM_001197104.2 (MANE Select); coding-DNA position 10417, C replaced by T.
Protein change: p.Arg3473Cys; replaces arginine 3473 with cysteine.
Molecular consequence: missense variant.
Genome position (GRCh38, 1-based): chr11:118,506,309, C>T. VCF-style: chr11-118506309-C-T. GRCh37 (hg19) VCF-style: chr11-118377024-C-T.
Other names: c.10507C>T, p.Arg3503Cys (NM_001412597.1); c.10408C>T, p.Arg3470Cys (NM_005933.4); short protein forms R3470C, R3503C, R3473C.
Identifiers: ClinVar variation 2066574 (VCV002066574.28), dbSNP rs781919840, ClinGen allele CA6304744.